The following is an entry in ClinVar:

ClinVar aggregate classification (germline): Uncertain significance (1 of 4 stars; one submission).

Conditions:
Microcephaly-intellectual disability-sensorineural hearing loss-epilepsy-abnormal muscle tone syndrome (NEDHSB). Also called: NEURODEVELOPMENTAL DISORDER WITH HEARING LOSS, SEIZURES, AND BRAIN ABNORMALITIES. Identifiers: Orphanet 457351, MedGen C4225276, MONDO:0014698, OMIM 616577.

Submission:

Labcorp Genetics (formerly Invitae), Labcorp
Classification: Uncertain significance for Microcephaly-intellectual disability-sensorineural hearing loss-epilepsy-abnormal muscle tone syndrome. Last evaluated: 2019-10-16. Review status: criteria provided, single submitter. Criteria: Invitae Variant Classification Sherloc (09022015). Collection method: clinical testing. Allele origin: germline.
Comment: This sequence change replaces serine with arginine at codon 313 of the SPATA5 protein (p.Ser313Arg). The serine residue is weakly conserved and there is a moderate physicochemical difference between serine and arginine. This variant is not present in population databases (ExAC no frequency). This variant has not been reported in the literature in individuals with SPATA5-related conditions. Algorithms developed to predict the effect of missense changes on protein structure and function output the following: SIFT: "Deleterious"; PolyPhen-2: "Benign"; Align-GVGD: "Class C0". The arginine amino acid residue is found in multiple mammalian species, suggesting that this missense change does not adversely affect protein function. These predictions have not been confirmed by published functional studies and their clinical significance is uncertain. In summary, the available evidence is currently insufficient to determine the role of this variant in disease. Therefore, it has been classified as a Variant of Uncertain Significance.

NM_145207.3(AFG2A):c.937A>C (p.Ser313Arg)

Gene: AFG2A (AAA ATPase AFG2A; plus strand). Cytogenetic location: 4q28.1.
Variant type: single nucleotide variant.
Coding change: c.937A>C on transcript NM_145207.3 (MANE Select); coding-DNA position 937, A replaced by C.
Protein change: p.Ser313Arg; replaces serine 313 with arginine.
Molecular consequence: missense variant.
Genome position (GRCh38, 1-based): chr4:122,934,528, A>C. VCF-style: chr4-122934528-A-C. GRCh37 (hg19) VCF-style: chr4-123855683-A-C.
Other names: c.934A>C, p.Ser312Arg (NM_001317799.2, NM_001345856.2); short protein forms S312R, S313R.
Identifiers: ClinVar variation 969541 (VCV000969541.6), dbSNP rs1728953871, ClinGen allele CA358102602.
Genomic context (GRCh38, chr4:122,934,528, plus strand): 5'-TTTGAATCTGCCAGAGAAGGAAATGAGCAACTTACTGAAGAAGAGAGACTGCTAAAGTTC[A>C]GCATAGGAGCAAAGTGCAATACTGATACTTTTTATTTTATTTCTTCAACAACAAGAGTCA-3'
Protein context (NP_660208.2, residues 303-323): LTEEERLLKF[Ser313Arg]IGAKCNTDTF